The following is an entry in ClinVar:

ClinVar aggregate classification (germline): Likely benign (1 of 4 stars; one submission).

gnomAD v4.1: 1 of 1,612,636 alleles (0.000062%); highest among the groups gnomAD compares: Non-Finnish European, 0.000085%; no homozygotes.

Submission:

Mayo Clinic Laboratories, Mayo Clinic
Classification: Likely benign. Last evaluated: 2025-04-29. Review status: criteria provided, single submitter. Criteria: ACMG Guidelines, 2015. Collection method: clinical testing. Allele origin: germline. Observed: 1 variant allele.
Comment: BP4, BP7, PM2_supporting

NM_005689.4(ABCB6):c.90G>A (p.Thr30=)

Gene: ABCB6 (ATP binding cassette subfamily B member 6 (LAN blood group); minus strand). Cytogenetic location: 2q35.
Variant type: single nucleotide variant.
Coding change: c.90G>A on transcript NM_005689.4 (MANE Select); coding-DNA position 90, G replaced by A.
Protein change: p.Thr30=; no amino-acid change (threonine 30 retained).
Molecular consequence: synonymous variant.
Genome position (GRCh38, 1-based): chr2:219,218,584, C>T on the plus strand (G>A on the coding strand, the complement: ABCB6 is on the minus strand). VCF-style: chr2-219218584-C-T. GRCh37 (hg19) VCF-style: chr2-220083306-C-T.
Other names: p.Thr30=; c.90G>A, p.Thr30= (NM_001349828.2).
Identifiers: ClinVar variation 4684646 (VCV004684646.1).